The following is an entry in ClinVar:

ClinVar aggregate classification (germline): Pathogenic (1 of 4 stars; one submission).

Submission:

Centre of Medical Genetics, University Hospital Muenster
Classification: Pathogenic. Last evaluated: 2021-12-20. Review status: criteria provided, single submitter. Criteria: ACMG Guidelines, 2015. Collection method: clinical testing. Allele origin: unknown. Affected: yes. Observed: 1 variant allele, 1 heterozygote.
Comment: ACMG categories: PVS1,PM2,PM7

NM_133433.4(NIPBL):c.4699C>T (p.Gln1567Ter)

Gene: NIPBL (NIPBL cohesin loading factor; plus strand). Cytogenetic location: 5p13.2.
Variant type: single nucleotide variant.
Coding change: c.4699C>T on transcript NM_133433.4 (MANE Select); coding-DNA position 4699, C replaced by T.
Protein change: p.Gln1567Ter; replaces glutamine 1567 with a stop codon.
Molecular consequence: nonsense.
Genome position (GRCh38, 1-based): chr5:37,016,093, C>T. VCF-style: chr5-37016093-C-T. GRCh37 (hg19) VCF-style: chr5-37016195-C-T.
Other names: c.4699C>T, p.Gln1567Ter (NM_015384.5); short protein forms Q1567*.
Identifiers: ClinVar variation 1708363 (VCV001708363.2), dbSNP rs780708835, ClinGen allele CA359482518.